The following is an entry in ClinVar:

ClinVar aggregate classification (germline): Benign. Review status: criteria provided, multiple submitters, no conflicts (2 of 4 stars). 3 submissions from 3 submitters: Benign (3). Last evaluated 2026-02-03.

Conditions:
BRD4-related disorder. Also called: BRD4-related condition.

Allele frequency attached by ClinVar (database versions not stated): gnomAD exomes 0.00287; gnomAD 0.01220; 1000 Genomes Project 0.01278; TOPMed 0.01349; ESP Exome Variant Server 0.01361; 1000 Genomes Project 30x 0.01390.
gnomAD v4.1: 3,532 of 1,613,442 alleles (0.22%); highest among the groups gnomAD compares: African/African-American, 4.1%; 63 homozygotes.

Submissions (3):

Labcorp Genetics (formerly Invitae), Labcorp
Classification: Benign. Last evaluated: 2026-02-03. Review status: criteria provided, single submitter. Criteria: Invitae Variant Classification Sherloc (09022015). Collection method: clinical testing. Allele origin: germline.

PreventionGenetics, part of Exact Sciences
Classification: Benign for BRD4-related condition. Last evaluated: 2025-11-06. Review status: criteria provided, single submitter. Criteria: ACMG Guidelines, 2015. Collection method: clinical testing. Allele origin: germline.
Comment: This variant is classified as benign based on ACMG/AMP sequence variant interpretation guidelines (Richards et al. 2015 PMID: 25741868, with internal and published modifications).

Breakthrough Genomics
Classification: Benign. Review status: criteria provided, single submitter. Criteria: ACMG Guidelines, 2015. Collection method: not provided. Allele origin: germline. Inheritance: Unknown mechanism. Affected: yes.

NM_001379291.1(BRD4):c.1341+6G>C

Gene: BRD4 (bromodomain containing 4; minus strand). Cytogenetic location: 19p13.12.
Variant type: single nucleotide variant.
Coding change: c.1341+6G>C on transcript NM_001379291.1 (MANE Select); 6 bases into the intron after coding-DNA position 1341, G replaced by C.
Molecular consequence: intron variant.
Genome position (GRCh38, 1-based): chr19:15,263,414, C>G on the plus strand (G>C on the coding strand, the complement: BRD4 is on the minus strand). VCF-style: chr19-15263414-C-G. GRCh37 (hg19) VCF-style: chr19-15374225-C-G.
Other names: c.1341+6G>C (NM_058243.3, NM_001379292.1, NM_014299.3 and 1 more transcripts).
Identifiers: ClinVar variation 777449 (VCV000777449.10), dbSNP rs28729313, ClinGen allele CA9265407.
Genomic context (GRCh38, chr19:15,263,414, plus strand): 5'-GAAGTCTGCTCCCACGAGGACCTCAGCCTGCTCTGCTGAGGGTGGCTGCGCCCTCCCAAG[C>G]CTCACCTGGAGCTTGCGGGCCATGGCCACCACCTCATGGTCAGGAGGGTTGTACTTATAG-3'